The following is an entry in ClinVar:

NM_000051.4(ATM):c.3923T>C (p.Met1308Thr)

Gene: ATM (ATM serine/threonine kinase; plus strand). Cytogenetic location: 11q22.3.
Variant type: single nucleotide variant.
Coding change: c.3923T>C on transcript NM_000051.4 (MANE Select); coding-DNA position 3923, T replaced by C.
Protein change: p.Met1308Thr; replaces methionine 1308 with threonine.
Molecular consequence: missense variant.
Genome position (GRCh38, 1-based): chr11:108,284,403, T>C. VCF-style: chr11-108284403-T-C. GRCh37 (hg19) VCF-style: chr11-108155130-T-C.
Other names: c.3923T>C, p.Met1308Thr (NM_001351834.2); short protein forms M1308T.
Identifiers: ClinVar variation 485244 (VCV000485244.8), dbSNP rs1555093651, ClinGen allele CA382525814.

ClinVar aggregate classification (germline): Uncertain significance. Review status: criteria provided, multiple submitters, no conflicts (2 of 4 stars). 2 submissions from 2 submitters: Uncertain significance (2). Last evaluated 2023-09-18.

Conditions:
Hereditary cancer-predisposing syndrome. Also called: Hereditary neoplastic syndrome; Neoplastic Syndromes, Hereditary; Tumor predisposition; Hereditary Cancer Syndrome. Identifiers: Orphanet 140162, MedGen C0027672, MeSH D009386, MONDO:0015356.
Ataxia-telangiectasia syndrome (AT). Also called: LOUIS-BAR SYNDROME; Cerebello-oculocutaneous telangiectasia; Immunodeficiency with ataxia telangiectasia; AT, COMPLEMENTATION GROUP C; Ataxia-telangiectasia, complementation group D; ATAXIA-TELANGIECTASIA, COMPLEMENTATION GROUP A. Identifiers: Orphanet 100, MedGen C0004135, MONDO:0008840, OMIM 208900.

Submissions (2):

Labcorp Genetics (formerly Invitae), Labcorp
Classification: Uncertain significance for Ataxia-telangiectasia syndrome. Last evaluated: 2023-09-18. Review status: criteria provided, single submitter. Criteria: Invitae Variant Classification Sherloc (09022015). Collection method: clinical testing. Allele origin: germline.
Comment: This variant is not present in population databases (gnomAD no frequency). This variant has not been reported in the literature in individuals affected with ATM-related conditions. ClinVar contains an entry for this variant (Variation ID: 485244). An algorithm developed to predict the effect of missense changes on protein structure and function (PolyPhen-2) suggests that this variant is likely to be tolerated. In summary, the available evidence is currently insufficient to determine the role of this variant in disease. Therefore, it has been classified as a Variant of Uncertain Significance. This sequence change replaces methionine, which is neutral and non-polar, with threonine, which is neutral and polar, at codon 1308 of the ATM protein (p.Met1308Thr).

Ambry Genetics
Classification: Uncertain significance for Hereditary cancer-predisposing syndrome. Last evaluated: 2017-09-20. Review status: criteria provided, single submitter. Criteria: Ambry Variant Classification Scheme 2023. Collection method: clinical testing. Allele origin: germline.
Comment: The p.M1308T variant (also known as c.3923T>C), located in coding exon 25 of the ATM gene, results from a T to C substitution at nucleotide position 3923. The methionine at codon 1308 is replaced by threonine, an amino acid with similar properties. This amino acid position is not well conserved in available vertebrate species. In addition, this alteration is predicted to be tolerated by in silico analysis. Since supporting evidence is limited at this time, the clinical significance of this alteration remains unclear.